The following is an entry in ClinVar:

ClinVar aggregate classification (germline): Benign/Likely benign. Review status: criteria provided, multiple submitters, no conflicts (2 of 4 stars). 8 submissions from 7 submitters: Benign (4); Likely benign (2). 2 of the submissions do not count toward it. Last evaluated 2026-02-02.

Conditions:
Bardet-Biedl syndrome 3 (BBS3). Identifiers: Orphanet 110, MedGen C1859564, MONDO:0010832, OMIM 600151.
Retinitis pigmentosa 55 (RP55). Identifiers: Orphanet 791, MedGen C3150808, MONDO:0013312, OMIM 613575.
Retinitis pigmentosa (RP). Identifiers: Orphanet 791, MedGen C0035334, MeSH D012174, MONDO:0019200, OMIM 268000. Inheritance: Autosomal dominant, autosomal recessive and X linked inheritance.

Allele frequency attached by ClinVar (database versions not stated): gnomAD exomes 0.00146 and 0.00391; ExAC 0.00488; gnomAD 0.01364; 1000 Genomes Project 0.01378; 1000 Genomes Project 30x 0.01546; TOPMed 0.01645; ESP Exome Variant Server 0.01915.
gnomAD v4.1: 4,328 of 1,613,100 alleles (0.27%); highest among the groups gnomAD compares: African/African-American, 5%; 96 homozygotes.

Submissions (8):

Labcorp Genetics (formerly Invitae), Labcorp
Classification: Benign for Retinitis pigmentosa 55; Bardet-Biedl syndrome 3. Last evaluated: 2026-02-02. Review status: criteria provided, single submitter. Criteria: Invitae Variant Classification Sherloc (09022015). Collection method: clinical testing. Allele origin: germline.

Blueprint Genetics
Classification: Likely benign. Last evaluated: 2024-11-14. Review status: criteria provided, single submitter. Criteria: ACMG Guidelines, 2015. Collection method: clinical testing. Allele origin: germline.

Mayo Clinic Laboratories, Mayo Clinic
Classification: Benign. Last evaluated: 2022-03-09. Review status: criteria provided, single submitter. Criteria: ACMG Guidelines, 2015. Collection method: clinical testing. Allele origin: germline. Observed: 1 variant allele.

Illumina Laboratory Services, Illumina
Classification: Benign for Bardet-Biedl syndrome 3. Last evaluated: 2018-01-13. Review status: criteria provided, single submitter. Criteria: ICSL Variant Classification Criteria 13 December 2019. Collection method: clinical testing. Allele origin: germline.
Comment: This variant was observed in the ICSL laboratory as part of a predisposition screen in an ostensibly healthy population. It had not been previously curated by ICSL or reported in the Human Gene Mutation Database (HGMD: prior to June 1st, 2018), and was therefore a candidate for classification through an automated scoring system. Utilizing variant allele frequency, disease prevalence and penetrance estimates, and inheritance mode, an automated score was calculated to assess if this variant is too frequent to cause the disease. Based on the score and internal cut-off values, a variant classified as benign is not then subjected to further curation. The score for this variant resulted in a classification of benign for this disease.

Illumina Laboratory Services, Illumina
Classification: Likely benign for Retinitis pigmentosa. Last evaluated: 2018-01-13. Review status: criteria provided, single submitter. Criteria: ICSL Variant Classification Criteria 13 December 2019. Collection method: clinical testing. Allele origin: germline.
Comment: This variant was observed in the ICSL laboratory as part of a predisposition screen in an ostensibly healthy population. It had not been previously curated by ICSL or reported in the Human Gene Mutation Database (HGMD: prior to June 1st, 2018), and was therefore a candidate for classification through an automated scoring system. Utilizing variant allele frequency, disease prevalence and penetrance estimates, and inheritance mode, an automated score was calculated to assess if this variant is too frequent to cause the disease. Based on the score and internal cut-off values, a variant classified as likely benign is not then subjected to further curation. The score for this variant resulted in a classification of likely benign for this disease.

PreventionGenetics, part of Exact Sciences
Classification: Benign. Review status: criteria provided, single submitter. Criteria: ACMG Guidelines, 2015. Collection method: clinical testing. Allele origin: germline.

Genome Diagnostics Laboratory, Amsterdam University Medical Center
Classification: Benign. Review status: no assertion criteria provided. Collection method: clinical testing. Allele origin: germline. Affected: yes. Study: VKGL Data-share Consensus. Not counted in ClinVar's aggregate classification.

Genome Diagnostics Laboratory, University Medical Center Utrecht
Classification: Benign. Review status: no assertion criteria provided. Collection method: clinical testing. Allele origin: germline. Affected: yes. Study: VKGL Data-share Consensus. Not counted in ClinVar's aggregate classification.

NM_001278293.3(ARL6):c.480-8C>T

Gene: ARL6 (ARF like GTPase 6; plus strand). Cytogenetic location: 3q11.2.
Variant type: single nucleotide variant.
Coding change: c.480-8C>T on transcript NM_001278293.3 (MANE Select); 8 bases into the intron before coding-DNA position 480, C replaced by T.
Molecular consequence: intron variant. On other transcripts: non-coding transcript variant (2).
Genome position (GRCh38, 1-based): chr3:97,791,763, C>T. VCF-style: chr3-97791763-C-T. GRCh37 (hg19) VCF-style: chr3-97510607-C-T.
Other names: p.?; c.480-8C>T (NM_032146.5, NM_177976.3, NM_001323513.2); c.479+3644C>T (NM_001323514.2).
Identifiers: ClinVar variation 262017 (VCV000262017.19), dbSNP rs77010939, ClinGen allele CA2505983.